The following is an entry in ClinVar:

NM_017777.4(MKS1):c.515+12C>T

Gene: MKS1 (MKS transition zone complex subunit 1; minus strand). Cytogenetic location: 17q22.
Variant type: single nucleotide variant.
Coding change: c.515+12C>T on transcript NM_017777.4 (MANE Select); 12 bases into the intron after coding-DNA position 515, C replaced by T.
Molecular consequence: intron variant.
Genome position (GRCh38, 1-based): chr17:58,214,729, G>A on the plus strand (C>T on the coding strand, the complement: MKS1 is on the minus strand). VCF-style: chr17-58214729-G-A. GRCh37 (hg19) VCF-style: chr17-56292090-G-A.
Other names: c.-94-342C>T (NM_001321268.2); c.515+12C>T (NM_001330397.2, NM_001321269.2).
Identifiers: ClinVar variation 260885 (VCV000260885.17), dbSNP rs372527189, ClinGen allele CA8669498.

ClinVar aggregate classification (germline): Conflicting classifications of pathogenicity. Review status: criteria provided, conflicting classifications (1 of 4 stars). 6 submissions from 5 submitters: Uncertain significance (2); Benign (1); Likely benign (3). Last evaluated 2026-01-28.

Conditions:
Meckel syndrome, type 1 (MKS1). Also called: MECKEL-GRUBER SYNDROME, TYPE 1. Identifiers: Orphanet 564, MedGen C3714506, MONDO:0009571, OMIM 249000.
Bardet-Biedl syndrome 13 (BBS13). Identifiers: Orphanet 110, MedGen C2673873, MONDO:0014441, OMIM 615990.
Joubert syndrome. Also called: Familial aplasia of the vermis; JOUBERT-BOLTSHAUSER SYNDROME. Identifiers: Orphanet 475, MedGen C5979921, MONDO:0018772.
Meckel-Gruber syndrome. Also called: DYSENCEPHALIA SPLANCHNOCYSTICA; Dysencephalia splachnocystica; GRUBER SYNDROME. Identifiers: Orphanet 564, MedGen C0265215, MONDO:0018921.

Allele frequency attached by ClinVar (database versions not stated): 1000 Genomes Project 30x 0.00016; gnomAD 0.00036 and 0.00038; gnomAD exomes 0.00039 and 0.00064; TOPMed 0.00048; ESP Exome Variant Server 0.00064; ExAC 0.00079.
gnomAD v4.1: 687 of 1,603,268 alleles (0.043%); highest among the groups gnomAD compares: Middle Eastern, 1.1%; 3 homozygotes.

Submissions (8):

Labcorp Genetics (formerly Invitae), Labcorp
Classification: Benign for Joubert syndrome; Meckel-Gruber syndrome. Last evaluated: 2026-01-28. Review status: criteria provided, single submitter. Criteria: Invitae Variant Classification Sherloc (09022015). Collection method: clinical testing. Allele origin: germline.

Blueprint Genetics
Classification: Likely benign. Last evaluated: 2024-11-21. Review status: criteria provided, single submitter. Criteria: ACMG Guidelines, 2015. Collection method: clinical testing. Allele origin: germline.

GeneDx
Classification: Likely benign. Last evaluated: 2017-09-06. Review status: criteria provided, single submitter. Criteria: GeneDx Variant Classification (06012015). Collection method: clinical testing. Allele origin: germline. Affected: yes.
Comment: This variant is considered likely benign or benign based on one or more of the following criteria: it is a conservative change, it occurs at a poorly conserved position in the protein, it is predicted to be benign by multiple in silico algorithms, and/or has population frequency not consistent with disease.

Illumina Laboratory Services, Illumina
Classification: Uncertain significance for Meckel syndrome, type 1. Last evaluated: 2017-04-27. Review status: criteria provided, single submitter. Criteria: ICSL Variant Classification Criteria 13 December 2019. Collection method: clinical testing. Allele origin: germline.
Comment: This variant was observed as part of a predisposition screen in an ostensibly healthy population. A literature search was performed for the gene, cDNA change, and amino acid change (where applicable). Publications were found based on this search. However, the evidence from the literature, in combination with allele frequency data from public databases where available, was not sufficient to rule this variant in or out of causing disease. Therefore, this variant is classified as a variant of unknown significance.

Illumina Laboratory Services, Illumina
Classification: Uncertain significance for Bardet-Biedl syndrome 13. Last evaluated: 2017-04-27. Review status: criteria provided, single submitter. Criteria: ICSL Variant Classification Criteria 13 December 2019. Collection method: clinical testing. Allele origin: germline.

PreventionGenetics, part of Exact Sciences
Classification: Likely benign. Review status: criteria provided, single submitter. Criteria: ACMG Guidelines, 2015. Collection method: clinical testing. Allele origin: germline.

Dr. Peter K. Rogan Lab, Western University
No classification provided (evidence only). Condition: Sarcoma. Review status: no classification provided. Collection method: in vitro. Allele origin: not applicable. Functional consequence: retained intron. Not counted in ClinVar's aggregate classification.

Dr. Peter K. Rogan Lab, Western University
No classification provided (evidence only). Condition: Gastric cancer. Review status: no classification provided. Collection method: in vitro. Allele origin: not applicable. Functional consequence: retained intron. Not counted in ClinVar's aggregate classification.

Literature cited by the submitters: PubMed 17397051 (cited by Illumina Laboratory Services, Illumina).